The following is an entry in ClinVar:

NM_004260.4(RECQL4):c.2288G>A (p.Gly763Asp)

Gene: RECQL4 (RecQ like helicase 4; minus strand). Cytogenetic location: 8q24.3.
Variant type: single nucleotide variant.
Coding change: c.2288G>A on transcript NM_004260.4 (MANE Select); coding-DNA position 2288, G replaced by A.
Protein change: p.Gly763Asp; replaces glycine 763 with aspartic acid.
Molecular consequence: missense variant.
Genome position (GRCh38, 1-based): chr8:144,513,393, C>T on the plus strand (G>A on the coding strand, the complement: RECQL4 is on the minus strand). VCF-style: chr8-144513393-C-T. GRCh37 (hg19) VCF-style: chr8-145738777-C-T.
Other names: short protein forms G763D.
Identifiers: ClinVar variation 840275 (VCV000840275.7), dbSNP rs1164917814, ClinGen allele CA372678413.

ClinVar aggregate classification (germline): Uncertain significance. Review status: criteria provided, multiple submitters, no conflicts (2 of 4 stars). 2 submissions from 2 submitters: Uncertain significance (2). Last evaluated 2025-07-16.

Conditions:
Baller-Gerold syndrome (BGS). Also called: CRANIOSYNOSTOSIS WITH RADIAL DEFECTS. Identifiers: Orphanet 1225, MedGen C0265308, MONDO:0009039, OMIM 218600.
Inborn genetic diseases. Identifiers: MedGen C0950123, MeSH D030342.

Allele frequency attached by ClinVar (database versions not stated): gnomAD exomes below 0.00001; TOPMed below 0.00001; gnomAD 0.00001.
gnomAD v4.1: 5 of 1,608,330 alleles (0.00031%); highest among the groups gnomAD compares: East Asian, 0.0045%; no homozygotes.

Submissions (2):

Ambry Genetics
Classification: Uncertain significance for Inborn genetic diseases. Last evaluated: 2025-07-16. Review status: criteria provided, single submitter. Criteria: Ambry Variant Classification Scheme 2023. Collection method: clinical testing. Allele origin: germline.

Labcorp Genetics (formerly Invitae), Labcorp
Classification: Uncertain significance for Baller-Gerold syndrome. Last evaluated: 2024-07-21. Review status: criteria provided, single submitter. Criteria: Invitae Variant Classification Sherloc (09022015). Collection method: clinical testing. Allele origin: germline.
Comment: This sequence change replaces glycine, which is neutral and non-polar, with aspartic acid, which is acidic and polar, at codon 763 of the RECQL4 protein (p.Gly763Asp). The frequency data for this variant in the population databases is considered unreliable, as metrics indicate poor data quality at this position in the gnomAD database. This variant has not been reported in the literature in individuals affected with RECQL4-related conditions. ClinVar contains an entry for this variant (Variation ID: 840275). Advanced modeling of protein sequence and biophysical properties (such as structural, functional, and spatial information, amino acid conservation, physicochemical variation, residue mobility, and thermodynamic stability) performed at Invitae indicates that this missense variant is expected to disrupt RECQL4 protein function with a positive predictive value of 80%. In summary, the available evidence is currently insufficient to determine the role of this variant in disease. Therefore, it has been classified as a Variant of Uncertain Significance.